The following is an entry in ClinVar:

NM_004655.4(AXIN2):c.1113A>G (p.Ala371=)

Gene: AXIN2 (axin 2; minus strand). Cytogenetic location: 17q24.1.
Variant type: single nucleotide variant.
Coding change: c.1113A>G on transcript NM_004655.4 (MANE Select); coding-DNA position 1113, A replaced by G.
Protein change: p.Ala371=; no amino-acid change (alanine 371 retained).
Molecular consequence: synonymous variant.
Genome position (GRCh38, 1-based): chr17:65,538,290, T>C on the plus strand (A>G on the coding strand, the complement: AXIN2 is on the minus strand). VCF-style: chr17-65538290-T-C. GRCh37 (hg19) VCF-style: chr17-63534408-T-C.
Other names: c.1113A>G, p.Ala371= (NM_001363813.1).
Identifiers: ClinVar variation 1673841 (VCV001673841.9), dbSNP rs2144477713, ClinGen allele CA501476361.

ClinVar aggregate classification (germline): Benign/Likely benign. Review status: criteria provided, multiple submitters, no conflicts (2 of 4 stars). 2 submissions from 2 submitters: Benign (1); Likely benign (1). Last evaluated 2024-07-01.

Conditions:
Oligodontia-cancer predisposition syndrome. Also called: TOOTH AGENESIS-COLORECTAL CANCER SYNDROME. Identifiers: Orphanet 300576, MedGen C1837750, MONDO:0012075, OMIM 608615. Disease mechanism: loss of function.

gnomAD v4.1: 1 of 1,614,174 alleles (0.000062%); highest among the groups gnomAD compares: Non-Finnish European, 0.000085%; no homozygotes.

Submissions (2):

Myriad Genetics, Inc.
Classification: Benign for Oligodontia-cancer predisposition syndrome. Last evaluated: 2024-07-01. Review status: criteria provided, single submitter. Criteria: Myriad Autosomal Dominant, Autosomal Recessive and X-Linked Classification Criteria (2023). Collection method: clinical testing. Allele origin: unknown.
Comment: This variant is considered benign. This variant is a silent/synonymous amino acid change and it is not expected to impact splicing.

Labcorp Genetics (formerly Invitae), Labcorp
Classification: Likely benign for Oligodontia-cancer predisposition syndrome. Last evaluated: 2022-07-14. Review status: criteria provided, single submitter. Criteria: Invitae Variant Classification Sherloc (09022015). Collection method: clinical testing. Allele origin: germline.